The following is an entry in ClinVar:

NM_001018115.3(FANCD2):c.570G>T (p.Lys190Asn)

Genes: FANCD2 (FA complementation group D2; plus strand), LOC107303338 (3p25 FANCD2 Alu-mediated recombination region; plus strand). Cytogenetic location: 3p25.3.
Variant type: single nucleotide variant.
Coding change: c.570G>T on transcript NM_001018115.3 (MANE Select); coding-DNA position 570, G replaced by T.
Protein change: p.Lys190Asn; replaces lysine 190 with asparagine.
Molecular consequence: missense variant.
Genome position (GRCh38, 1-based): chr3:10,039,357, G>T. VCF-style: chr3-10039357-G-T. GRCh37 (hg19) VCF-style: chr3-10081041-G-T.
Other names: c.570G>T, p.Lys190Asn (NM_001319984.2, NM_001374253.1, NM_001374254.1 and 2 more transcripts); short protein forms K190N.
Identifiers: ClinVar variation 2653507 (VCV002653507.24), dbSNP rs2124984284, ClinGen allele CA351724283.

ClinVar aggregate classification (germline): Uncertain significance (1 of 4 stars; one submission).

gnomAD v4.1: 1 of 1,610,572 alleles (0.000062%); highest among the groups gnomAD compares: Non-Finnish European, 0.000085%; no homozygotes.

Submission:

CeGaT Center for Human Genetics Tuebingen
Classification: Uncertain significance. Last evaluated: 2022-08-01. Review status: criteria provided, single submitter. Criteria: CeGaT Center For Human Genetics Tuebingen Variant Classification Criteria Version 2. Collection method: clinical testing. Allele origin: germline. Affected: yes. Observed: 1 variant allele.
Comment: FANCD2: PM2, PP3